The following is an entry in ClinVar:

NM_005612.5(REST):c.3131G>C (p.Arg1044Thr)

Gene: REST (RE1 silencing transcription factor; plus strand). Cytogenetic location: 4q12.
Variant type: single nucleotide variant.
Coding change: c.3131G>C on transcript NM_005612.5 (MANE Select); coding-DNA position 3131, G replaced by C.
Protein change: p.Arg1044Thr; replaces arginine 1044 with threonine.
Molecular consequence: missense variant.
Genome position (GRCh38, 1-based): chr4:56,931,989, G>C. VCF-style: chr4-56931989-G-C. GRCh37 (hg19) VCF-style: chr4-57798155-G-C.
Other names: c.3131G>C, p.Arg1044Thr (NM_001193508.2, NM_001363453.3); short protein forms R1044T.
Identifiers: ClinVar variation 1428362 (VCV001428362.8), dbSNP rs2109579648, ClinGen allele CA357010275.

ClinVar aggregate classification (germline): Uncertain significance (1 of 4 stars; one submission).

Submission:

Labcorp Genetics (formerly Invitae), Labcorp
Classification: Uncertain significance. Last evaluated: 2021-05-29. Review status: criteria provided, single submitter. Criteria: Invitae Variant Classification Sherloc (09022015). Collection method: clinical testing. Allele origin: germline.
Comment: Algorithms developed to predict the effect of missense changes on protein structure and function output the following: SIFT: "Tolerated"; PolyPhen-2: "Benign"; Align-GVGD: "Class C0". The threonine amino acid residue is found in multiple mammalian species, suggesting that this missense change does not adversely affect protein function. These predictions have not been confirmed by published functional studies and their clinical significance is uncertain. In summary, the available evidence is currently insufficient to determine the role of this variant in disease. Therefore, it has been classified as a Variant of Uncertain Significance. This variant has not been reported in the literature in individuals with REST-related conditions. This sequence change replaces arginine with threonine at codon 1044 of the REST protein (p.Arg1044Thr). The arginine residue is moderately conserved and there is a moderate physicochemical difference between arginine and threonine. This variant is not present in population databases (ExAC no frequency).